The following is an entry in ClinVar:

NM_000548.5(TSC2):c.4426G>C (p.Glu1476Gln)

Gene: TSC2 (TSC complex subunit 2; plus strand). Cytogenetic location: 16p13.3.
Variant type: single nucleotide variant.
Coding change: c.4426G>C on transcript NM_000548.5 (MANE Select); coding-DNA position 4426, G replaced by C.
Protein change: p.Glu1476Gln; replaces glutamic acid 1476 with glutamine.
Molecular consequence: missense variant.
Genome position (GRCh38, 1-based): chr16:2,084,648, G>C. VCF-style: chr16-2084648-G-C. GRCh37 (hg19) VCF-style: chr16-2134649-G-C.
Other names: c.4357G>C, p.Glu1453Gln (NM_001114382.3); c.4225G>C, p.Glu1409Gln (NM_001077183.3); c.4117G>C, p.Glu1373Gln (NM_001318827.2); c.4081G>C, p.Glu1361Gln (NM_001318829.2); c.3694G>C, p.Glu1232Gln (NM_001318831.2); c.4258G>C, p.Glu1420Gln (NM_001318832.2); c.4228G>C, p.Glu1410Gln (NM_001363528.2); c.4294G>C, p.Glu1432Gln (NM_001370404.1); and 1 more; short protein forms E1476Q, E1432Q, E1361Q, E1409Q, E1453Q, E1373Q, E1420Q, E1232Q.
Identifiers: ClinVar variation 565643 (VCV000565643.11), dbSNP rs376946970, ClinGen allele CA394302189.

ClinVar aggregate classification (germline): Uncertain significance. Review status: criteria provided, multiple submitters, no conflicts (2 of 4 stars). 2 submissions from 2 submitters: Uncertain significance (2). Last evaluated 2025-12-05.

Conditions:
Hereditary cancer-predisposing syndrome. Also called: Neoplastic Syndromes, Hereditary; Tumor predisposition; Hereditary Cancer Syndrome; Hereditary neoplastic syndrome. Identifiers: Orphanet 140162, MedGen C0027672, MeSH D009386, MONDO:0015356.
Tuberous sclerosis 2 (TSC2). Identifiers: Orphanet 805, MedGen C1860707, MONDO:0013199, OMIM 613254.

Submissions (2):

Ambry Genetics
Classification: Uncertain significance for Hereditary cancer-predisposing syndrome. Last evaluated: 2025-12-05. Review status: criteria provided, single submitter. Criteria: Ambry Variant Classification Scheme 2023. Collection method: clinical testing. Allele origin: germline.
Comment: The p.E1476Q variant (also known as c.4426G>C), located in coding exon 33 of the TSC2 gene, results from a G to C substitution at nucleotide position 4426. The glutamic acid at codon 1476 is replaced by glutamine, an amino acid with highly similar properties. This amino acid position is well conserved in available vertebrate species. In addition, the in silico prediction for this alteration is inconclusive. Based on the available evidence, the clinical significance of this variant remains unclear.

Labcorp Genetics (formerly Invitae), Labcorp
Classification: Uncertain significance for Tuberous sclerosis 2. Last evaluated: 2022-05-27. Review status: criteria provided, single submitter. Criteria: Invitae Variant Classification Sherloc (09022015). Collection method: clinical testing. Allele origin: germline.
Comment: In summary, the available evidence is currently insufficient to determine the role of this variant in disease. Therefore, it has been classified as a Variant of Uncertain Significance. Advanced modeling of protein sequence and biophysical properties (such as structural, functional, and spatial information, amino acid conservation, physicochemical variation, residue mobility, and thermodynamic stability) performed at Invitae indicates that this missense variant is not expected to disrupt TSC2 protein function. This sequence change replaces glutamic acid, which is acidic and polar, with glutamine, which is neutral and polar, at codon 1476 of the TSC2 protein (p.Glu1476Gln). This variant is not present in population databases (gnomAD no frequency). This missense change has been observed in individual(s) with epilepsy (PMID: 31875159). ClinVar contains an entry for this variant (Variation ID: 565643).

Literature cited by the submitters: PubMed 31875159 (cited by Ambry Genetics and Labcorp Genetics (formerly Invitae), Labcorp).